The following is an entry in ClinVar:

ClinVar aggregate classification (germline): Uncertain significance (1 of 4 stars; one submission).

Conditions:
PAX6-related disorder. Also called: PAX6-related disorders; PAX6-related condition.

Submission:

3billion
Classification: Uncertain significance for PAX6-related disorder. Last evaluated: 2024-09-25. Review status: criteria provided, single submitter. Criteria: ACMG Guidelines, 2015. Collection method: clinical testing. Allele origin: germline. Affected: yes.
Comment: The variant is not observed in the gnomAD v4.0.0 dataset. Predicted Consequence/Location: Missense variant In silico tool predictions suggest damaging effect of the variant on gene or gene product [REVEL: 0.89 (>=0.6, sensitivity 0.68 and specificity 0.92); 3Cnet: 0.99 (>=0.6, sensitivity 0.72 and precision 0.9)]. Therefore, this variant is classified as VUS according to the recommendation of ACMG/AMP guideline.

NM_001368894.2(PAX6):c.678A>T (p.Arg226Ser)

Gene: PAX6 (paired box 6; minus strand). Cytogenetic location: 11p13.
Variant type: single nucleotide variant.
Coding change: c.678A>T on transcript NM_001368894.2 (MANE Select); coding-DNA position 678, A replaced by T.
Protein change: p.Arg226Ser; replaces arginine 226 with serine.
Molecular consequence: missense variant. On other transcripts: non-coding transcript variant (2).
Genome position (GRCh38, 1-based): chr11:31,794,676, T>A on the plus strand (A>T on the coding strand, the complement: PAX6 is on the minus strand). VCF-style: chr11-31794676-T-A. GRCh37 (hg19) VCF-style: chr11-31816224-T-A.
Other names: c.636A>T, p.Arg212Ser (NM_000280.6, NM_001127612.3, NM_001258464.2 and 10 more transcripts); c.678A>T, p.Arg226Ser (NM_001258462.3, NM_001258463.2, NM_001310158.2 and 6 more transcripts); c.228A>T, p.Arg76Ser (NM_001310160.2, NM_001310161.3, NM_001368899.2 and 11 more transcripts); c.879A>T, p.Arg293Ser (NM_001368910.2); c.681A>T, p.Arg227Ser (NM_001368911.2); c.753A>T, p.Arg251Ser (NM_001368918.2, NM_001368919.2); c.711A>T, p.Arg237Ser (NM_001368920.2); c.477A>T, p.Arg159Ser (NM_001368921.2, NM_001368922.2, NM_001368923.2 and 4 more transcripts); and 2 more; short protein forms R11S, R145S, R159S, R212S, R226S, R227S, R237S, R251S.
Identifiers: ClinVar variation 4292115 (VCV004292115.1).